The following is an entry in ClinVar:

ClinVar aggregate classification (germline): Likely benign (1 of 4 stars; one submission).

Submission:

CeGaT Center for Human Genetics Tuebingen
Classification: Likely benign. Last evaluated: 2022-06-01. Review status: criteria provided, single submitter. Criteria: CeGaT Center For Human Genetics Tuebingen Variant Classification Criteria Version 2. Collection method: clinical testing. Allele origin: germline. Affected: yes. Observed: 1 variant allele.
Comment: PIGC: PM2:Supporting, BP4, BP7

NM_153747.2(PIGC):c.336T>C (p.Ser112=)

Genes: C1orf105 (chromosome 1 open reading frame 105; plus strand), PIGC (phosphatidylinositol glycan anchor biosynthesis class C; minus strand). Cytogenetic location: 1q24.3.
Variant type: single nucleotide variant.
Coding change: c.336T>C on transcript NM_153747.2 (MANE Select); coding-DNA position 336, T replaced by C.
Protein change: p.Ser112=; no amino-acid change (serine 112 retained).
Molecular consequence: synonymous variant. On other transcripts: intron variant (1).
Genome position (GRCh38, 1-based): chr1:172,442,287, A>G on the plus strand (T>C on the coding strand, the complement: PIGC is on the minus strand). VCF-style: chr1-172442287-A-G. GRCh37 (hg19) VCF-style: chr1-172411427-A-G.
Other names: c.336T>C, p.Ser112= (NM_002642.4); c.22-2786A>G (NM_139240.4).
Identifiers: ClinVar variation 2639564 (VCV002639564.24), dbSNP rs2526988730, ClinGen allele CA421940214.